The following is an entry in ClinVar:

ClinVar aggregate classification (germline): Uncertain significance. Review status: criteria provided, multiple submitters, no conflicts (2 of 4 stars). 4 submissions from 4 submitters: Uncertain significance (3). 1 of the submissions does not count toward it. Last evaluated 2026-01-15.

Conditions:
Glycogen storage disease, type II (IOPD). Also called: CARDIOMEGALIA GLYCOGENICA DIFFUSA; GLYCOGENOSIS, GENERALIZED, CARDIAC FORM; GSD II; POMPE DISEASE, INFANTILE-ONSET; GLYCOGEN STORAGE DISEASE II, INFANTILE-ONSET; ACID ALPHA-GLUCOSIDASE DEFICIENCY, INFANTILE-ONSET. Identifiers: Orphanet 365, MedGen C0017921, MONDO:0009290, OMIM 232300.

Allele frequency attached by ClinVar (database versions not stated): gnomAD exomes below 0.00001 and 0.00001; gnomAD 0.00001; TOPMed 0.00002; ExAC 0.00004.
gnomAD v4.1: 8 of 1,600,480 alleles (0.0005%); highest among the groups gnomAD compares: Admixed American, 0.0017%; no homozygotes.

Submissions (4):

Labcorp Genetics (formerly Invitae), Labcorp
Classification: Uncertain significance for Glycogen storage disease, type II. Last evaluated: 2026-01-15. Review status: criteria provided, single submitter. Criteria: Invitae Variant Classification Sherloc (09022015). Collection method: clinical testing. Allele origin: germline.
Comment: This sequence change replaces proline, which is neutral and non-polar, with serine, which is neutral and polar, at codon 684 of the GAA protein (p.Pro684Ser). The frequency data for this variant in the population databases is considered unreliable, as metrics indicate poor data quality at this position in the gnomAD database. This missense change has been observed in individual(s) with a positive newborn screening result for GAA-related disease (internal data). ClinVar contains an entry for this variant (Variation ID: 526542). Invitae Evidence Modeling of protein sequence and biophysical properties (such as structural, functional, and spatial information, amino acid conservation, physicochemical variation, residue mobility, and thermodynamic stability) indicates that this missense variant is expected to disrupt GAA protein function with a positive predictive value of 95%. This variant disrupts the p.Pro684 amino acid residue in GAA. Other variant(s) that disrupt this residue have been determined to be pathogenic (PMID: 28196920). This suggests that this residue is clinically significant, and that variants that disrupt this residue are likely to be disease-causing. In summary, the available evidence is currently insufficient to determine the role of this variant in disease. Therefore, it has been classified as a Variant of Uncertain Significance.

Women's Health and Genetics/Laboratory Corporation of America, LabCorp
Classification: Uncertain significance. Last evaluated: 2024-03-08. Review status: criteria provided, single submitter. Criteria: LabCorp Variant Classification Summary - May 2015. Collection method: clinical testing. Allele origin: germline.

Revvity Omics, Revvity
Classification: Uncertain significance. Last evaluated: 2023-10-12. Review status: criteria provided, single submitter. Criteria: ACMG Guidelines, 2015. Collection method: clinical testing. Allele origin: germline.

Natera, Inc.
Classification: Uncertain significance for Glycogen storage disease type II. Last evaluated: 2019-10-28. Review status: no assertion criteria provided. Collection method: clinical testing. Allele origin: germline. Not counted in ClinVar's aggregate classification.

Literature cited by the submitters: PubMed 28196920 (cited by Labcorp Genetics (formerly Invitae), Labcorp).

NM_000152.5(GAA):c.2050C>T (p.Pro684Ser)

Gene: GAA (alpha glucosidase; plus strand). Cytogenetic location: 17q25.3.
Variant type: single nucleotide variant.
Coding change: c.2050C>T on transcript NM_000152.5 (MANE Select); coding-DNA position 2050, C replaced by T.
Protein change: p.Pro684Ser; replaces proline 684 with serine.
Molecular consequence: missense variant.
Genome position (GRCh38, 1-based): chr17:80,113,227, C>T. VCF-style: chr17-80113227-C-T. GRCh37 (hg19) VCF-style: chr17-78087026-C-T.
Other names: c.2050C>T, p.Pro684Ser (NM_001079804.3, NM_001079803.3); c.2050C>T (LRG_673t1); short protein forms P684S.
Identifiers: ClinVar variation 526542 (VCV000526542.12), dbSNP rs776486462, ClinGen allele CA8815598.